The following is an entry in ClinVar:

ClinVar aggregate classification (germline): Likely benign. Review status: reviewed by expert panel (3 of 4 stars). 6 submissions from 6 submitters: Likely benign (1). 5 of the submissions do not count toward it. Last evaluated 2017-06-29.

Conditions:
Hereditary cancer-predisposing syndrome. Also called: Tumor predisposition; Hereditary Cancer Syndrome; Hereditary neoplastic syndrome; Neoplastic Syndromes, Hereditary. Identifiers: Orphanet 140162, MedGen C0027672, MeSH D009386, MONDO:0015356.
Hereditary breast ovarian cancer syndrome. Also called: Hereditary breast and ovarian cancer; Breast and ovarian cancer; BRCA1- and BRCA2-Associated Hereditary Breast and Ovarian Cancer; Hereditary breast and ovarian cancer syndrome; Hereditary breast and ovarian cancer syndrome (HBOC); Hereditary breast and/or ovarian cancer syndrome. Identifiers: Orphanet 145, MedGen C0677776, MeSH D061325, MONDO:0003582. Disease mechanism: loss of function.
Breast-ovarian cancer, familial, susceptibility to, 2 (BROVCA2). Also called: BRCA2 Hereditary Breast and Ovarian Cancer. Identifiers: Orphanet 145, MedGen C2675520, MONDO:0012933, OMIM 612555. Disease mechanism: loss of function.

Allele frequency attached by ClinVar (database versions not stated): TOPMed 0.00002; gnomAD 0.00003 and 0.00004.
gnomAD v4.1: 6 of 1,610,380 alleles (0.00037%); highest among the groups gnomAD compares: African/African-American, 0.008%; no homozygotes.

Submissions (6):

Evidence-based Network for the Interpretation of Germline Mutant Alleles (ENIGMA)
Classification: Likely benign for Breast-ovarian cancer, familial, susceptibility to, 2. Last evaluated: 2017-06-29. Review status: reviewed by expert panel. Criteria: ENIGMA BRCA1/2 Classification Criteria (2017-06-29). Collection method: curation. Allele origin: germline.
Comment: Synonymous substitution variant, with low bioinformatic likelihood to result in a splicing aberration (Splicing prior probability 0.02).

Labcorp Genetics (formerly Invitae), Labcorp
Classification: Likely benign for Hereditary breast ovarian cancer syndrome. Last evaluated: 2025-10-29. Review status: criteria provided, single submitter. Criteria: Invitae Variant Classification Sherloc (09022015). Collection method: clinical testing. Allele origin: germline. Not counted in ClinVar's aggregate classification.

GeneDx
Classification: Likely benign. Last evaluated: 2021-03-12. Review status: criteria provided, single submitter. Criteria: GeneDx Variant Classification Process June 2021. Collection method: clinical testing. Allele origin: germline. Affected: yes. Not counted in ClinVar's aggregate classification.

Women's Health and Genetics/Laboratory Corporation of America, LabCorp
Classification: Likely benign. Last evaluated: 2020-11-27. Review status: criteria provided, single submitter. Criteria: LabCorp Variant Classification Summary - May 2015. Collection method: clinical testing. Allele origin: germline. Not counted in ClinVar's aggregate classification.

Color Diagnostics, LLC DBA Color Health
Classification: Likely benign for Hereditary cancer-predisposing syndrome. Last evaluated: 2016-05-16. Review status: criteria provided, single submitter. Criteria: ACMG Guidelines, 2015. Collection method: clinical testing. Allele origin: germline. Not counted in ClinVar's aggregate classification.

Ambry Genetics
Classification: Likely benign for Hereditary cancer-predisposing syndrome. Last evaluated: 2015-12-21. Review status: criteria provided, single submitter. Criteria: Ambry Variant Classification Scheme 2023. Collection method: clinical testing. Allele origin: germline. Not counted in ClinVar's aggregate classification.

NM_000059.4(BRCA2):c.2526A>C (p.Val842=)

Gene: BRCA2 (BRCA2 DNA repair associated; plus strand). Cytogenetic location: 13q13.1.
Variant type: single nucleotide variant.
Coding change: c.2526A>C on transcript NM_000059.4 (MANE Select); coding-DNA position 2526, A replaced by C.
Protein change: p.Val842=; no amino-acid change (valine 842 retained).
Molecular consequence: synonymous variant.
Genome position (GRCh38, 1-based): chr13:32,336,881, A>C. VCF-style: chr13-32336881-A-C. GRCh37 (hg19) VCF-style: chr13-32911018-A-C.
Identifiers: ClinVar variation 236841 (VCV000236841.21), dbSNP rs770778164, ClinGen allele CA10583083.